The following is an entry in ClinVar:

ClinVar aggregate classification (germline): Uncertain significance (1 of 4 stars; one submission).

gnomAD v4.1: 1 of 1,613,746 alleles (0.000062%); highest among the groups gnomAD compares: Middle Eastern, 0.017%; no homozygotes.

Submission:

Labcorp Genetics (formerly Invitae), Labcorp
Classification: Uncertain significance. Last evaluated: 2024-03-11. Review status: criteria provided, single submitter. Criteria: Invitae Variant Classification Sherloc (09022015). Collection method: clinical testing. Allele origin: germline.
Comment: This sequence change falls in intron 5 of the EIF2AK3 gene. It does not directly change the encoded amino acid sequence of the EIF2AK3 protein. It affects a nucleotide within the consensus splice site. This variant is not present in population databases (gnomAD no frequency). This variant has not been reported in the literature in individuals affected with EIF2AK3-related conditions. ClinVar contains an entry for this variant (Variation ID: 1490494). Variants that disrupt the consensus splice site are a relatively common cause of aberrant splicing (PMID: 17576681, 9536098). Algorithms developed to predict the effect of sequence changes on RNA splicing suggest that this variant is not likely to affect RNA splicing. In summary, the available evidence is currently insufficient to determine the role of this variant in disease. Therefore, it has been classified as a Variant of Uncertain Significance.

Literature cited by the submitters: PubMed 17576681; PubMed 9536098.

NM_004836.7(EIF2AK3):c.1002+5C>T

Gene: EIF2AK3 (eukaryotic translation initiation factor 2 alpha kinase 3; minus strand). Cytogenetic location: 2p11.2.
Variant type: single nucleotide variant.
Coding change: c.1002+5C>T on transcript NM_004836.7 (MANE Select); 5 bases into the intron after coding-DNA position 1002, C replaced by T.
Molecular consequence: intron variant.
Genome position (GRCh38, 1-based): chr2:88,590,813, G>A on the plus strand (C>T on the coding strand, the complement: EIF2AK3 is on the minus strand). VCF-style: chr2-88590813-G-A. GRCh37 (hg19) VCF-style: chr2-88890331-G-A.
Other names: c.549+5C>T (NM_001313915.2).
Identifiers: ClinVar variation 1490494 (VCV001490494.6), dbSNP rs931792857, ClinGen allele CA2573135931.
Genomic context (GRCh38, chr2:88,590,813, plus strand): 5'-TCAATAAGTTTGGTCAGACTGGGAGAGGAAGAACCGTATTTTAAATCCTCAGTGGTGTTA[G>A]GTACCTGGTACTCCCATTCCAGATGTCCTCCCTTCTTACTGAATGCCATAACTTTCCAGT-3'